The following is an entry in ClinVar:

NM_001354604.2(MITF):c.345A>G (p.Glu115=)

Gene: MITF (melanocyte inducing transcription factor; plus strand). Cytogenetic location: 3p13.
Variant type: single nucleotide variant.
Coding change: c.345A>G on transcript NM_001354604.2 (MANE Select); coding-DNA position 345, A replaced by G.
Protein change: p.Glu115=; no amino-acid change (glutamic acid 115 retained).
Molecular consequence: synonymous variant.
Genome position (GRCh38, 1-based): chr3:69,879,374, A>G. VCF-style: chr3-69879374-A-G. GRCh37 (hg19) VCF-style: chr3-69928525-A-G.
Other names: c.345A>G (NM_001354604.1); c.189A>G, p.Glu63= (NM_001184967.2, NM_001354608.2); c.342A>G, p.Glu114= (NM_001354605.2, NM_001354606.2, NM_006722.3); c.294A>G, p.Glu98= (NM_001354607.2); c.345A>G, p.Glu115= (NM_198159.3); c.297A>G, p.Glu99= (NM_198177.3).
Identifiers: ClinVar variation 1697578 (VCV001697578.8), dbSNP rs370482858, ClinGen allele CA2490298.

ClinVar aggregate classification (germline): Likely benign. Review status: criteria provided, single submitter (1 of 4 stars). 2 submissions from 2 submitters: Likely benign (1). 1 of the submissions does not count toward it. Last evaluated 2025-03-04.

Conditions:
MITF-related disorder. Also called: MITF-related condition.

Allele frequency attached by ClinVar (database versions not stated): gnomAD 0.00005 and 0.00006; ESP Exome Variant Server 0.00008; TOPMed 0.00008; gnomAD exomes 0.00009 and 0.00023; ExAC 0.00040.
gnomAD v4.1: 149 of 1,614,104 alleles (0.0092%); highest among the groups gnomAD compares: Non-Finnish European, 0.012%; no homozygotes.

Submissions (2):

Center for Genomic Medicine, Rigshospitalet, Copenhagen University Hospital
Classification: Likely benign. Last evaluated: 2025-03-04. Review status: criteria provided, single submitter. Criteria: ACMG Guidelines, 2015. Collection method: clinical testing. Allele origin: germline.

PreventionGenetics, part of Exact Sciences
Classification: Likely benign for MITF-related condition. Last evaluated: 2021-04-21. Review status: no assertion criteria provided. Collection method: clinical testing. Allele origin: germline. Not counted in ClinVar's aggregate classification.
Comment: This variant is classified as likely benign based on ACMG/AMP sequence variant interpretation guidelines (Richards et al. 2015 PMID: 25741868, with internal and published modifications).